The following is an entry in ClinVar:

NM_001009944.3(PKD1):c.2811C>T (p.Ala937=)

Gene: PKD1 (polycystin 1, transient receptor potential channel interacting; minus strand). Cytogenetic location: 16p13.3.
Variant type: single nucleotide variant.
Coding change: c.2811C>T on transcript NM_001009944.3 (MANE Select); coding-DNA position 2811, C replaced by T.
Protein change: p.Ala937=; no amino-acid change (alanine 937 retained).
Molecular consequence: synonymous variant.
Genome position (GRCh38, 1-based): chr16:2,114,212, G>A on the plus strand (C>T on the coding strand, the complement: PKD1 is on the minus strand). VCF-style: chr16-2114212-G-A. GRCh37 (hg19) VCF-style: chr16-2164213-G-A.
Other names: c.2811C>T, p.Ala937= (NM_000296.4).
Identifiers: ClinVar variation 3892003 (VCV003892003.3).

ClinVar aggregate classification (germline): Likely benign. Review status: criteria provided, multiple submitters, no conflicts (2 of 4 stars). 3 submissions from 3 submitters: Likely benign (3). Last evaluated 2026-08-01.

Conditions:
Polycystic kidney disease, adult type (PKD1). Also called: Polycystic Kidney Disease 1, Autosomal Dominant; Polycystic kidney disease 1; Polycystic kidney disease 1, severe; POLYCYSTIC KIDNEY DISEASE 1 WITH OR WITHOUT POLYCYSTIC LIVER DISEASE; POLYCYSTIC KIDNEY DISEASE, ADULT, TYPE I; Polycystic Kidney, Autosomal Dominant. Identifiers: MedGen C3149841, MONDO:0008263, OMIM 173900.

gnomAD v4.1: 151 of 1,609,656 alleles (0.0094%); highest among the groups gnomAD compares: African/African-American, 0.19%; no homozygotes.

Submissions (3):

CeGaT Center for Human Genetics Tuebingen
Classification: Likely benign. Last evaluated: 2026-08-01. Review status: criteria provided, single submitter. Criteria: CeGaT Center For Human Genetics Tuebingen Variant Classification Criteria Version 2. Collection method: clinical testing. Allele origin: germline. Affected: yes. Observed: 1 variant allele.
Comment: PKD1: BP4, BP7

Blueprint Genetics
Classification: Likely benign. Last evaluated: 2022-10-20. Review status: criteria provided, single submitter. Criteria: ACMG Guidelines, 2015. Collection method: clinical testing. Allele origin: germline.

Department of Pathology and Laboratory Medicine, Sinai Health System
Classification: Likely benign for Polycystic kidney disease, adult type. Last evaluated: 2020-07-10. Review status: criteria provided, single submitter. Criteria: ACMG Guidelines, 2015. Collection method: clinical testing. Allele origin: germline. Affected: yes.